The following is an entry in ClinVar:

ClinVar aggregate classification (germline): Uncertain significance. Review status: criteria provided, multiple submitters, no conflicts (2 of 4 stars). 3 submissions from 3 submitters: Uncertain significance (3). Last evaluated 2025-02-22.

Conditions:
Cardiovascular phenotype. Identifiers: MedGen CN230736.
Fish-eye disease (FED). Also called: ALPHA-LCAT DEFICIENCY; DYSLIPOPROTEINEMIC CORNEAL DYSTROPHY; LCATA DEFICIENCY. Identifiers: Orphanet 650, Orphanet 79292, MedGen C0342895, MONDO:0007620, OMIM 136120.
Norum disease. Also called: Familial lecithin cholesterol acyltransferase deficiency. Identifiers: Orphanet 79293, MedGen C0023195, MONDO:0009515, OMIM 245900.

Allele frequency attached by ClinVar (database versions not stated): ExAC 0.00001; gnomAD exomes 0.00001.
gnomAD v4.1: 20 of 1,613,680 alleles (0.0012%); highest among the groups gnomAD compares: Middle Eastern, 0.016%; no homozygotes.

Submissions (3):

Ambry Genetics
Classification: Uncertain significance for Cardiovascular phenotype. Last evaluated: 2025-02-22. Review status: criteria provided, single submitter. Criteria: Ambry Variant Classification Scheme 2023. Collection method: clinical testing. Allele origin: germline.
Comment: The p.T358M variant (also known as c.1073C>T), located in coding exon 6 of the LCAT gene, results from a C to T substitution at nucleotide position 1073. The threonine at codon 358 is replaced by methionine, an amino acid with similar properties. This amino acid position is conserved. In addition, the in silico prediction for this alteration is inconclusive. Since supporting evidence is limited at this time, the clinical significance of this alteration remains unclear.

Fulgent Genetics
Classification: Uncertain significance for Fish-eye disease; Norum disease. Last evaluated: 2024-03-21. Review status: criteria provided, single submitter. Criteria: ACMG Guidelines, 2015. Collection method: clinical testing. Allele origin: germline.

New York Genome Center
Classification: Uncertain significance for Norum disease; Fish-eye disease. Last evaluated: 2022-04-27. Review status: criteria provided, single submitter. Criteria: NYGC Assertion Criteria 2020. Collection method: clinical testing. Allele origin: germline. Observed: 2 heterozygotes. Clinical features observed: Diabetes mellitus (HP:0000819).

NM_000229.2(LCAT):c.1073C>T (p.Thr358Met)

Gene: LCAT (lecithin-cholesterol acyltransferase; minus strand). Cytogenetic location: 16q22.1.
Variant type: single nucleotide variant.
Coding change: c.1073C>T on transcript NM_000229.2 (MANE Select); coding-DNA position 1073, C replaced by T.
Protein change: p.Thr358Met; replaces threonine 358 with methionine.
Molecular consequence: missense variant.
Genome position (GRCh38, 1-based): chr16:67,940,154, G>A on the plus strand (C>T on the coding strand, the complement: LCAT is on the minus strand). VCF-style: chr16-67940154-G-A. GRCh37 (hg19) VCF-style: chr16-67974057-G-A.
Other names: short protein forms T358M.
Identifiers: ClinVar variation 1784152 (VCV001784152.6), dbSNP rs759917018, ClinGen allele CA8120900.